The following is an entry in ClinVar:

NM_000059.4(BRCA2):c.6173T>G (p.Phe2058Cys)

Gene: BRCA2 (BRCA2 DNA repair associated; plus strand). Cytogenetic location: 13q13.1.
Variant type: single nucleotide variant.
Coding change: c.6173T>G on transcript NM_000059.4 (MANE Select); coding-DNA position 6173, T replaced by G.
Protein change: p.Phe2058Cys; replaces phenylalanine 2058 with cysteine.
Molecular consequence: missense variant.
Genome position (GRCh38, 1-based): chr13:32,340,528, T>G. VCF-style: chr13-32340528-T-G. GRCh37 (hg19) VCF-style: chr13-32914665-T-G.
Other names: short protein forms F2058C.
Identifiers: ClinVar variation 135807 (VCV000135807.5), dbSNP rs55973801, ClinGen allele CA023716.

ClinVar aggregate classification (germline): Conflicting classifications of pathogenicity. Review status: criteria provided, conflicting classifications (1 of 4 stars). 2 submissions from 2 submitters: Uncertain significance (1); Likely benign (1). Last evaluated 2023-11-08.

Conditions:
Hereditary cancer-predisposing syndrome. Also called: Tumor predisposition; Hereditary neoplastic syndrome; Neoplastic Syndromes, Hereditary; Hereditary Cancer Syndrome. Identifiers: Orphanet 140162, MedGen C0027672, MeSH D009386, MONDO:0015356.
Hereditary breast ovarian cancer syndrome. Also called: Hereditary breast and ovarian cancer; Breast and ovarian cancer; Hereditary breast and ovarian cancer syndrome (HBOC); Hereditary breast and/or ovarian cancer syndrome; Hereditary breast and ovarian cancer syndrome; BRCA1- and BRCA2-Associated Hereditary Breast and Ovarian Cancer. Identifiers: Orphanet 145, MedGen C0677776, MeSH D061325, MONDO:0003582. Disease mechanism: loss of function.

Submissions (2):

Labcorp Genetics (formerly Invitae), Labcorp
Classification: Uncertain significance for Hereditary breast ovarian cancer syndrome. Last evaluated: 2023-11-08. Review status: criteria provided, single submitter. Criteria: Invitae Variant Classification Sherloc (09022015). Collection method: clinical testing. Allele origin: germline.
Comment: This sequence change replaces phenylalanine, which is neutral and non-polar, with cysteine, which is neutral and slightly polar, at codon 2058 of the BRCA2 protein (p.Phe2058Cys). This variant is not present in population databases (gnomAD no frequency). This variant has not been reported in the literature in individuals affected with BRCA2-related conditions. ClinVar contains an entry for this variant (Variation ID: 135807). Advanced modeling of protein sequence and biophysical properties (such as structural, functional, and spatial information, amino acid conservation, physicochemical variation, residue mobility, and thermodynamic stability) has been performed at Invitae for this missense variant, however the output from this modeling did not meet the statistical confidence thresholds required to predict the impact of this variant on BRCA2 protein function. In summary, the available evidence is currently insufficient to determine the role of this variant in disease. Therefore, it has been classified as a Variant of Uncertain Significance.

University of Washington Department of Laboratory Medicine, University of Washington
Classification: Likely benign for Hereditary cancer-predisposing syndrome. Last evaluated: 2023-03-23. Review status: criteria provided, single submitter. Criteria: Dines et al. (Genet Med. 2020). Collection method: curation. Allele origin: germline.
Comment: Missense variant in a coldspot region where missense variants are very unlikely to be pathogenic (PMID:31911673).

BRCA2 exon 11 coldspot. Reclassification based on statistical prior probability.